The following is an entry in ClinVar:

ClinVar aggregate classification (germline): Pathogenic (1 of 4 stars; one submission).

Conditions:
Marfan syndrome (MFS). Also called: FBN1-Related Marfan Syndrome; MARFAN SYNDROME, TYPE I; Marfan syndrome type 1; Marfan's syndrome; Marfan syndrome, classic. Identifiers: Orphanet 284963, Orphanet 558, MedGen C0024796, MONDO:0007947, OMIM 154700.

Submission:

Clinical Biomedical Laboratory, Shriners Hospital For Children - Canada
Classification: Pathogenic for Marfan syndrome. Review status: criteria provided, single submitter. Criteria: ACMG Guidelines, 2015. Collection method: clinical testing. Allele origin: germline. Affected: yes.
Comment: This variant is predicted to substitute a tyrosine residue by a stop codon. This is expected to lead to degradation of the affected transcript and loss of function of the affected allele. Loss of function variants in FBN1 are associated with Marfan syndrome, which corresponds to the diagnosis of the proband. This variant is absent from the Genome Aggregation Database (v2.1.1.), indicating it is very rare. Based on the ACMG variant interpretation guidelines (criteria: PVS1, PM2, PP4), the available evidence supports classification of this variant as pathogenic.

NM_000138.5(FBN1):c.2700C>G (p.Tyr900Ter)

Gene: FBN1 (fibrillin 1; minus strand). Cytogenetic location: 15q21.1.
Variant type: single nucleotide variant.
Coding change: c.2700C>G on transcript NM_000138.5 (MANE Select); coding-DNA position 2700, C replaced by G.
Protein change: p.Tyr900Ter; replaces tyrosine 900 with a stop codon.
Molecular consequence: nonsense.
Genome position (GRCh38, 1-based): chr15:48,494,232, G>C on the plus strand (C>G on the coding strand, the complement: FBN1 is on the minus strand). VCF-style: chr15-48494232-G-C. GRCh37 (hg19) VCF-style: chr15-48786429-G-C.
Other names: c.2700C>G, p.Tyr900Ter (NM_001406716.1); short protein forms Y900*.
Identifiers: ClinVar variation 4819330 (VCV004819330.1).